The following is an entry in ClinVar:

ClinVar aggregate classification (germline): Likely benign. Review status: criteria provided, multiple submitters, no conflicts (2 of 4 stars). 3 submissions from 3 submitters: Likely benign (3). Last evaluated 2025-07-30.

Conditions:
Cerebral cavernous malformation 2. Also called: Familial Cerebral Cavernous Malformation 2. Identifiers: Orphanet 221061, MedGen C1864041, MONDO:0011304, OMIM 603284.

Allele frequency attached by ClinVar (database versions not stated): ExAC 0.00006; gnomAD 0.00007; ESP Exome Variant Server 0.00008; TOPMed 0.00008; gnomAD exomes 0.00011.
gnomAD v4.1: 172 of 1,613,844 alleles (0.011%); highest among the groups gnomAD compares: Non-Finnish European, 0.013%; no homozygotes.

Submissions (3):

Labcorp Genetics (formerly Invitae), Labcorp
Classification: Likely benign for Cerebral cavernous malformation 2. Last evaluated: 2025-07-30. Review status: criteria provided, single submitter. Criteria: Invitae Variant Classification Sherloc (09022015). Collection method: clinical testing. Allele origin: germline.

Mayo Clinic Laboratories, Mayo Clinic
Classification: Likely benign. Last evaluated: 2025-03-05. Review status: criteria provided, single submitter. Criteria: ACMG Guidelines, 2015. Collection method: clinical testing. Allele origin: germline. Observed: 2 variant alleles.
Comment: BP4, BP7

Blueprint Genetics
Classification: Likely benign. Last evaluated: 2022-09-05. Review status: criteria provided, single submitter. Criteria: ACMG Guidelines, 2015. Collection method: clinical testing. Allele origin: germline.

NM_031443.4(CCM2):c.357C>T (p.Asn119=)

Gene: CCM2 (CCM2 scaffold protein; plus strand). Cytogenetic location: 7p13.
Variant type: single nucleotide variant.
Coding change: c.357C>T on transcript NM_031443.4 (MANE Select); coding-DNA position 357, C replaced by T.
Protein change: p.Asn119=; no amino-acid change (asparagine 119 retained).
Molecular consequence: synonymous variant. On other transcripts: non-coding transcript variant (1).
Genome position (GRCh38, 1-based): chr7:45,064,531, C>T. VCF-style: chr7-45064531-C-T. GRCh37 (hg19) VCF-style: chr7-45104130-C-T.
Other names: p.Asn119=; c.420C>T, p.Asn140= (NM_001029835.2); c.183C>T, p.Asn61= (NM_001167934.2, NM_001363459.2); c.357C>T, p.Asn119= (NM_001167935.2, NM_001363458.2).
Identifiers: ClinVar variation 1932677 (VCV001932677.7), dbSNP rs372638007, ClinGen allele CA4246962.